The following is an entry in ClinVar:

ClinVar aggregate classification (germline): Conflicting classifications of pathogenicity. Review status: criteria provided, conflicting classifications (1 of 4 stars). 2 submissions from 2 submitters: Uncertain significance (1); Likely benign (1). Last evaluated 2026-02-01.

Conditions:
Congenital contractural arachnodactyly (CCA). Also called: Beals-Hecht syndrome; BEALS SYNDROME; Arthrogryposis, distal, type 9. Identifiers: Orphanet 115, MedGen C0220668, MONDO:0007363, OMIM 121050.

Allele frequency attached by ClinVar (database versions not stated): TOPMed 0.00002.
gnomAD v4.1: 13 of 1,613,170 alleles (0.00081%); highest among the groups gnomAD compares: Admixed American, 0.022%; no homozygotes.

Submissions (2):

Labcorp Genetics (formerly Invitae), Labcorp
Classification: Likely benign for Congenital contractural arachnodactyly. Last evaluated: 2026-02-01. Review status: criteria provided, single submitter. Criteria: Invitae Variant Classification Sherloc (09022015). Collection method: clinical testing. Allele origin: germline.

GeneDx
Classification: Uncertain significance. Last evaluated: 2016-11-29. Review status: criteria provided, single submitter. Criteria: GeneDx Variant Classification (06012015). Collection method: clinical testing. Allele origin: germline. Affected: yes.
Comment: A variant of uncertain significance has been identified in the FBN2 gene. The G2553A variant has not been published as a pathogenic variant, nor has it been reported as a benign variant to our knowledge. G2553A was not observed in approximately 6,500 individuals of European and African American ancestry in the NHLBI Exome Sequencing Project, and it was not observed with any significant frequency in the Exome Aggregation Consortium (ExAC). The G2553A variant is a conservative amino acid substitution, which is not likely to impact secondary protein structure as these residues share similar properties. However, this substitution occurs at a position that is conserved across species, and in silico analysis predicts this variant is probably damaging to the protein structure/function. Nevertheless, no pathogenic missense variants in nearby residues have been reported in the Human Gene Mutation Database (Stenson et al., 2014), indicating that this region of the gene is not known to harbor disease-causing variants.Therefore, based on the currently available information, it is unclear whether this variant is pathogenic or rare benign. This result cannot be interpreted for diagnosis or used for family member screening at this time.

NM_001999.4(FBN2):c.7658G>C (p.Gly2553Ala)

Gene: FBN2 (fibrillin 2; minus strand). Cytogenetic location: 5q23.3.
Variant type: single nucleotide variant.
Coding change: c.7658G>C on transcript NM_001999.4 (MANE Select); coding-DNA position 7658, G replaced by C.
Protein change: p.Gly2553Ala; replaces glycine 2553 with alanine.
Molecular consequence: missense variant.
Genome position (GRCh38, 1-based): chr5:128,274,620, C>G on the plus strand (G>C on the coding strand, the complement: FBN2 is on the minus strand). VCF-style: chr5-128274620-C-G. GRCh37 (hg19) VCF-style: chr5-127610312-C-G.
Other names: short protein forms G2553A.
Identifiers: ClinVar variation 373613 (VCV000373613.4), dbSNP rs764514988, ClinGen allele CA3394055.